The following is an entry in ClinVar:

NM_181426.2(CCDC39):c.670A>G (p.Ile224Val)

Gene: CCDC39 (coiled-coil domain 39 molecular ruler complex subunit; minus strand). Cytogenetic location: 3q26.33.
Variant type: single nucleotide variant.
Coding change: c.670A>G on transcript NM_181426.2 (MANE Select); coding-DNA position 670, A replaced by G.
Protein change: p.Ile224Val; replaces isoleucine 224 with valine.
Molecular consequence: missense variant.
Genome position (GRCh38, 1-based): chr3:180,659,520, T>C on the plus strand (A>G on the coding strand, the complement: CCDC39 is on the minus strand). VCF-style: chr3-180659520-T-C. GRCh37 (hg19) VCF-style: chr3-180377308-T-C.
Other names: c.670A>G (NM_181426.1); short protein forms I224V.
Identifiers: ClinVar variation 1405756 (VCV001405756.7), dbSNP rs544311014, ClinGen allele CA2716107.

ClinVar aggregate classification (germline): Conflicting classifications of pathogenicity. Review status: criteria provided, conflicting classifications (1 of 4 stars). 3 submissions from 3 submitters: Uncertain significance (2); Likely benign (1). Last evaluated 2026-05-08.

Conditions:
Primary ciliary dyskinesia. Also called: Ciliary dyskinesia. Identifiers: Orphanet 244, MedGen C0008780, MONDO:0016575, HP:0012265.
Primary ciliary dyskinesia 14. Also called: CILIARY DYSKINESIA, PRIMARY, 14, WITH OR WITHOUT SITUS INVERSUS. Identifiers: Orphanet 244, MedGen C3151136, MONDO:0013434, OMIM 613807.

Allele frequency attached by ClinVar (database versions not stated): TOPMed 0.00001; ExAC 0.00005; gnomAD 0.00005; gnomAD exomes 0.00005; 1000 Genomes Project 30x 0.00016; 1000 Genomes Project 0.00020.
gnomAD v4.1: 67 of 1,613,448 alleles (0.0042%); highest among the groups gnomAD compares: South Asian, 0.064%; no homozygotes.

Submissions (3):

Ambry Genetics
Classification: Likely benign for Primary ciliary dyskinesia. Last evaluated: 2026-05-08. Review status: criteria provided, single submitter. Criteria: Ambry Variant Classification Scheme 2023. Collection method: clinical testing. Allele origin: germline.

Labcorp Genetics (formerly Invitae), Labcorp
Classification: Uncertain significance for Primary ciliary dyskinesia. Last evaluated: 2024-05-23. Review status: criteria provided, single submitter. Criteria: Invitae Variant Classification Sherloc (09022015). Collection method: clinical testing. Allele origin: germline.
Comment: This sequence change replaces isoleucine, which is neutral and non-polar, with valine, which is neutral and non-polar, at codon 224 of the CCDC39 protein (p.Ile224Val). This variant is present in population databases (rs544311014, gnomAD 0.04%). This variant has not been reported in the literature in individuals affected with CCDC39-related conditions. ClinVar contains an entry for this variant (Variation ID: 1405756). An algorithm developed to predict the effect of missense changes on protein structure and function (PolyPhen-2) suggests that this variant is likely to be disruptive. In summary, the available evidence is currently insufficient to determine the role of this variant in disease. Therefore, it has been classified as a Variant of Uncertain Significance.

Fulgent Genetics
Classification: Uncertain significance for Primary ciliary dyskinesia 14. Last evaluated: 2024-03-20. Review status: criteria provided, single submitter. Criteria: ACMG Guidelines, 2015. Collection method: clinical testing. Allele origin: germline.